The following is an entry in ClinVar:

NM_001384140.1(PCDH15):c.925C>A (p.Gln309Lys)

Gene: PCDH15 (protocadherin related 15; minus strand). Cytogenetic location: 10q21.1.
Variant type: single nucleotide variant.
Coding change: c.925C>A on transcript NM_001384140.1 (MANE Select); coding-DNA position 925, C replaced by A.
Protein change: p.Gln309Lys; replaces glutamine 309 with lysine.
Molecular consequence: missense variant.
Genome position (GRCh38, 1-based): chr10:54,236,883, G>T on the plus strand (C>A on the coding strand, the complement: PCDH15 is on the minus strand). VCF-style: chr10-54236883-G-T. GRCh37 (hg19) VCF-style: chr10-55996643-G-T.
Other names: c.940C>A, p.Gln314Lys (NM_001142763.2, NM_001142769.4, NM_001142771.2); c.925C>A, p.Gln309Lys (NM_001142764.2, NM_001142765.2, NM_001142766.2 and 7 more transcripts); c.814C>A, p.Gln272Lys (NM_001142767.2); c.859C>A, p.Gln287Lys (NM_001142768.2, NM_001142773.2, NM_001354404.2); short protein forms Q287K, Q309K, Q272K, Q314K.
Identifiers: ClinVar variation 955813 (VCV000955813.8), dbSNP rs762029000, ClinGen allele CA5506543.

ClinVar aggregate classification (germline): Uncertain significance. Review status: criteria provided, multiple submitters, no conflicts (2 of 4 stars). 3 submissions from 3 submitters: Uncertain significance (2). 1 of the submissions does not count toward it. Last evaluated 2024-11-07.

Conditions:
Usher syndrome type 1F (USH1F). Also called: USHER SYNDROME, TYPE IF. Identifiers: Orphanet 231169, Orphanet 886, MedGen C1865885, MONDO:0011186, OMIM 602083.

Allele frequency attached by ClinVar (database versions not stated): gnomAD 0.00001; TOPMed 0.00001; ExAC 0.00004.
gnomAD v4.1: 21 of 1,613,516 alleles (0.0013%); highest among the groups gnomAD compares: Non-Finnish European, 0.0018%; no homozygotes.

Submissions (3):

Blueprint Genetics
Classification: Uncertain significance. Last evaluated: 2024-11-07. Review status: criteria provided, single submitter. Criteria: ACMG Guidelines, 2015. Collection method: clinical testing. Allele origin: germline.

Labcorp Genetics (formerly Invitae), Labcorp
Classification: Uncertain significance. Last evaluated: 2024-03-03. Review status: criteria provided, single submitter. Criteria: Invitae Variant Classification Sherloc (09022015). Collection method: clinical testing. Allele origin: germline.
Comment: This sequence change replaces glutamine, which is neutral and polar, with lysine, which is basic and polar, at codon 309 of the PCDH15 protein (p.Gln309Lys). This variant is present in population databases (rs762029000, gnomAD 0.006%). This variant has not been reported in the literature in individuals affected with PCDH15-related conditions. ClinVar contains an entry for this variant (Variation ID: 955813). Advanced modeling of protein sequence and biophysical properties (such as structural, functional, and spatial information, amino acid conservation, physicochemical variation, residue mobility, and thermodynamic stability) performed at Invitae indicates that this missense variant is not expected to disrupt PCDH15 protein function with a negative predictive value of 80%. In summary, the available evidence is currently insufficient to determine the role of this variant in disease. Therefore, it has been classified as a Variant of Uncertain Significance.

Natera, Inc.
Classification: Uncertain significance for Usher syndrome type 1F. Last evaluated: 2020-06-15. Review status: no assertion criteria provided. Collection method: clinical testing. Allele origin: germline. Not counted in ClinVar's aggregate classification.